The following is an entry in ClinVar:

ClinVar aggregate classification (germline): Uncertain significance (1 of 4 stars; one submission).

Conditions:
Neurodevelopmental disorder with regression, abnormal movements, loss of speech, and seizures. Identifiers: Orphanet 597623, MedGen C4748127, MONDO:0060759, OMIM 618088.

Submission:

Laboratorio de Genetica e Diagnostico Molecular, Hospital Israelita Albert Einstein
Classification: Uncertain significance for Neurodevelopmental disorder with regression, abnormal movements, loss of speech, and seizures. Last evaluated: 2024-08-09. Review status: criteria provided, single submitter. Criteria: ACMG Guidelines, 2015. Collection method: clinical testing. Allele origin: germline. Affected: yes.
Comment: ACMG classification criteria: PM2 supporting, BP4 supporting

NM_024496.4(IRF2BPL):c.1835C>T (p.Pro612Leu)

Gene: IRF2BPL (interferon regulatory factor 2 binding protein like; minus strand). Cytogenetic location: 14q24.3.
Variant type: single nucleotide variant.
Coding change: c.1835C>T on transcript NM_024496.4 (MANE Select); coding-DNA position 1835, C replaced by T.
Protein change: p.Pro612Leu; replaces proline 612 with leucine.
Molecular consequence: missense variant.
Genome position (GRCh38, 1-based): chr14:77,025,958, G>A on the plus strand (C>T on the coding strand, the complement: IRF2BPL is on the minus strand). VCF-style: chr14-77025958-G-A. GRCh37 (hg19) VCF-style: chr14-77492301-G-A.
Other names: short protein forms P612L.
Identifiers: ClinVar variation 4056804 (VCV004056804.1).